The following is an entry in ClinVar:

ClinVar aggregate classification (germline): Uncertain significance (1 of 4 stars; one submission).

Conditions:
Fanconi anemia (FA). Also called: Fanconi's anemia. Identifiers: Orphanet 84, MedGen C0015625, MeSH D005199, MONDO:0019391.

Submission:

Labcorp Genetics (formerly Invitae), Labcorp
Classification: Uncertain significance for Fanconi anemia. Last evaluated: 2022-07-09. Review status: criteria provided, single submitter. Criteria: Invitae Variant Classification Sherloc (09022015). Collection method: clinical testing. Allele origin: germline.
Comment: In summary, the available evidence is currently insufficient to determine the role of this variant in disease. Therefore, it has been classified as a Variant of Uncertain Significance. Algorithms developed to predict the effect of sequence changes on RNA splicing suggest that this variant may create or strengthen a splice site. This variant has not been reported in the literature in individuals affected with FANCG-related conditions. This variant is not present in population databases (gnomAD no frequency). This variant, c.335_352del, results in the deletion of 6 amino acid(s) of the FANCG protein (p.Pro112_Gly117del), but otherwise preserves the integrity of the reading frame.

NM_004629.2(FANCG):c.335_352del (p.Pro112_Gly117del)

Gene: FANCG (FA complementation group G; minus strand). Cytogenetic location: 9p13.3.
Variant type: Deletion.
Coding change: c.335_352del on transcript NM_004629.2 (MANE Select); coding-DNA positions 335 to 352, 18 bases deleted (CCAGGTTGGAACAGGGGC).
Protein change: p.Pro112_Gly117del.
Molecular consequence: inframe deletion.
Genome position (GRCh38, 1-based): chr9:35,078,299-35,078,316, GCCCCTGTTCCAACCTGG deleted on the plus strand (CCAGGTTGGAACAGGGGC on the coding strand, the reverse complement: FANCG is on the minus strand); deleting any 18 consecutive bases within chr9:35,078,299-35,078,323 gives the same sequence; the c. name uses the placement nearest the transcript's 3' end. VCF-style (leftmost placement, unchanged base first): chr9-35078298-AGCCCCTGTTCCAACCTGG-A. GRCh37 (hg19) VCF-style: chr9-35078295-AGCCCCTGTTCCAACCTGG-A.
Identifiers: ClinVar variation 2167643 (VCV002167643.4), dbSNP rs2490407816, ClinGen allele CA2580080503.